The following is an entry in ClinVar:

ClinVar aggregate classification (germline): Conflicting classifications of pathogenicity. Review status: criteria provided, conflicting classifications (1 of 4 stars). 3 submissions from 3 submitters: Uncertain significance (2); Likely benign (1). Last evaluated 2025-03-18.

Allele frequency attached by ClinVar (database versions not stated): gnomAD 0.00001 and 0.00002; gnomAD exomes 0.00001 and 0.00002; TOPMed 0.00002.
gnomAD v4.1: 34 of 1,613,124 alleles (0.0021%); highest among the groups gnomAD compares: Admixed American, 0.0067%; no homozygotes.

Submissions (3):

Mayo Clinic Laboratories, Mayo Clinic
Classification: Likely benign. Last evaluated: 2025-03-18. Review status: criteria provided, single submitter. Criteria: ACMG Guidelines, 2015. Collection method: clinical testing. Allele origin: germline. Observed: 1 variant allele.
Comment: BS2, BP4

Athena Diagnostics
Classification: Uncertain significance. Last evaluated: 2022-09-14. Review status: criteria provided, single submitter. Criteria: Athena Diagnostics Criteria. Collection method: clinical testing. Allele origin: unknown.

CeGaT Center for Human Genetics Tuebingen
Classification: Uncertain significance. Last evaluated: 2019-10-01. Review status: criteria provided, single submitter. Criteria: CeGaT Center For Human Genetics Tuebingen Variant Classification Criteria Version 2. Collection method: clinical testing. Allele origin: germline. Affected: yes. Observed: 1 variant allele.

NM_004960.4(FUS):c.821G>A (p.Arg274His)

Gene: FUS (FUS DNA/RNA binding protein; plus strand). Cytogenetic location: 16p11.2.
Variant type: single nucleotide variant.
Coding change: c.821G>A on transcript NM_004960.4 (MANE Select); coding-DNA position 821, G replaced by A.
Protein change: p.Arg274His; replaces arginine 274 with histidine.
Molecular consequence: missense variant. On other transcripts: non-coding transcript variant (1).
Genome position (GRCh38, 1-based): chr16:31,188,346, G>A. VCF-style: chr16-31188346-G-A. GRCh37 (hg19) VCF-style: chr16-31199667-G-A.
Other names: p.Arg274His; c.818G>A, p.Arg273His (NM_001170634.1); c.809G>A, p.Arg270His (NM_001170937.1); short protein forms R273H, R274H, R270H.
Identifiers: ClinVar variation 871895 (VCV000871895.43), dbSNP rs1415220872, ClinGen allele CA395671786.